The following is an entry in ClinVar:

NM_004371.4(COPA):c.1016G>A (p.Arg339Gln)

Gene: COPA (coat protein complex I subunit alpha; minus strand). Cytogenetic location: 1q23.2.
Variant type: single nucleotide variant.
Coding change: c.1016G>A on transcript NM_004371.4 (MANE Select); coding-DNA position 1016, G replaced by A.
Protein change: p.Arg339Gln; replaces arginine 339 with glutamine.
Molecular consequence: missense variant.
Genome position (GRCh38, 1-based): chr1:160,311,928, C>T on the plus strand (G>A on the coding strand, the complement: COPA is on the minus strand). VCF-style: chr1-160311928-C-T. GRCh37 (hg19) VCF-style: chr1-160281718-C-T.
Other names: c.1016G>A, p.Arg339Gln (NM_001098398.2); short protein forms R339Q.
Identifiers: ClinVar variation 3268937 (VCV003268937.3).

ClinVar aggregate classification (germline): Uncertain significance. Review status: criteria provided, multiple submitters, no conflicts (2 of 4 stars). 2 submissions from 2 submitters: Uncertain significance (2). Last evaluated 2025-03-20.

Conditions:
Autoimmune interstitial lung disease-arthritis syndrome. Also called: Autoinflammation and autoimmunity, systemic, with immune dysregulation. Identifiers: Orphanet 444092, MedGen C5975714, MONDO:0014629.
Inborn genetic diseases. Identifiers: MedGen C0950123, MeSH D030342.

gnomAD v4.1: 7 of 1,613,958 alleles (0.00043%); highest among the groups gnomAD compares: South Asian, 0.0011%; no homozygotes.

Submissions (2):

Labcorp Genetics (formerly Invitae), Labcorp
Classification: Uncertain significance for Autoimmune interstitial lung disease-arthritis syndrome. Last evaluated: 2025-03-20. Review status: criteria provided, single submitter. Criteria: Invitae Variant Classification Sherloc (09022015). Collection method: clinical testing. Allele origin: germline.
Comment: This sequence change replaces arginine, which is basic and polar, with glutamine, which is neutral and polar, at codon 339 of the COPA protein (p.Arg339Gln). This variant is present in population databases (rs766546034, gnomAD 0.006%). This variant has not been reported in the literature in individuals affected with COPA-related conditions. ClinVar contains an entry for this variant (Variation ID: 3268937). Invitae Evidence Modeling of protein sequence and biophysical properties (such as structural, functional, and spatial information, amino acid conservation, physicochemical variation, residue mobility, and thermodynamic stability) indicates that this missense variant is not expected to disrupt COPA protein function with a negative predictive value of 80%. In summary, the available evidence is currently insufficient to determine the role of this variant in disease. Therefore, it has been classified as a Variant of Uncertain Significance.

Ambry Genetics
Classification: Uncertain significance for Inborn genetic diseases. Last evaluated: 2024-05-30. Review status: criteria provided, single submitter. Criteria: Ambry Variant Classification Scheme 2023. Collection method: clinical testing. Allele origin: germline.